The following is an entry in ClinVar:

ClinVar aggregate classification (germline): Uncertain significance (1 of 4 stars; one submission).

Submission:

GeneDx
Classification: Uncertain significance. Last evaluated: 2023-12-26. Review status: criteria provided, single submitter. Criteria: GeneDx Variant Classification Process June 2021. Collection method: clinical testing. Allele origin: germline. Affected: yes.
Comment: In silico analysis supports that this missense variant has a deleterious effect on protein structure/function; Has not been previously published as pathogenic or benign to our knowledge

NM_020928.2(ZSWIM6):c.3392T>C (p.Met1131Thr)

Gene: ZSWIM6 (zinc finger SWIM-type containing 6; plus strand). Cytogenetic location: 5q12.1.
Variant type: single nucleotide variant.
Coding change: c.3392T>C on transcript NM_020928.2 (MANE Select); coding-DNA position 3392, T replaced by C.
Protein change: p.Met1131Thr; replaces methionine 1131 with threonine.
Molecular consequence: missense variant.
Genome position (GRCh38, 1-based): chr5:61,544,061, T>C. VCF-style: chr5-61544061-T-C. GRCh37 (hg19) VCF-style: chr5-60839888-T-C.
Other names: short protein forms M1131T.
Identifiers: ClinVar variation 3370141 (VCV003370141.1).